The following is an entry in ClinVar:

ClinVar aggregate classification (germline): Pathogenic (1 of 4 stars; one submission).

Conditions:
LAMA2-related muscular dystrophy (LAMA2-RD). Also called: Laminin alpha 2-related dystrophy. Identifiers: MedGen C5679788, MONDO:0100228.

Submission:

Labcorp Genetics (formerly Invitae), Labcorp
Classification: Pathogenic for LAMA2-related muscular dystrophy. Last evaluated: 2019-06-09. Review status: criteria provided, single submitter. Criteria: Invitae Variant Classification Sherloc (09022015). Collection method: clinical testing. Allele origin: germline.
Comment: For these reasons, this variant has been classified as Pathogenic. Loss-of-function variants in LAMA2 are known to be pathogenic (PMID: 18700894). This variant has not been reported in the literature in individuals with LAMA2-related conditions. This variant is not present in population databases (ExAC no frequency). This sequence change creates a premature translational stop signal (p.Cys862*) in the LAMA2 gene. It is expected to result in an absent or disrupted protein product.

Literature cited by the submitters: PubMed 18700894.

NM_000426.4(LAMA2):c.2586T>A (p.Cys862Ter)

Gene: LAMA2 (laminin subunit alpha 2; plus strand). Cytogenetic location: 6q22.33.
Variant type: single nucleotide variant.
Coding change: c.2586T>A on transcript NM_000426.4 (MANE Select); coding-DNA position 2586, T replaced by A.
Protein change: p.Cys862Ter; replaces cysteine 862 with a stop codon.
Molecular consequence: nonsense.
Genome position (GRCh38, 1-based): chr6:129,287,895, T>A. VCF-style: chr6-129287895-T-A. GRCh37 (hg19) VCF-style: chr6-129609040-T-A.
Other names: c.2586T>A, p.Cys862Ter (NM_001079823.2); short protein forms C862*.
Identifiers: ClinVar variation 937894 (VCV000937894.8), dbSNP rs1789390592, ClinGen allele CA365609792.
Genomic context (GRCh38, chr6:129,287,895, plus strand): 5'-TTCTTGCCTTAGGTGTGCAGAAGGCTATTTTGGACAACCCTCTGTACCTGGAGGATCATG[T>A]CAGCCATGCCAATGCAATGACAACCTTGACTTCTCCATCCCTGGCAGCTGTGACAGCTTG-3'